The following is an entry in ClinVar:

NM_000027.4(AGA):c.101_107del (p.Trp34fs)

Gene: AGA (aspartylglucosaminidase; minus strand). Cytogenetic location: 4q34.3.
Variant type: Deletion.
Coding change: c.101_107del on transcript NM_000027.4 (MANE Select); coding-DNA positions 101 to 107, 7 bases deleted (GGCCCTT; older notation c.101_107delGGCCCTT).
Protein change: p.Trp34fs; shifts the reading frame from tryptophan 34.
Molecular consequence: frameshift variant. On other transcripts: non-coding transcript variant (1).
Genome position (GRCh38, 1-based): chr4:177,442,269-177,442,275, AAGGGCC deleted on the plus strand (GGCCCTT on the coding strand, the reverse complement: AGA is on the minus strand); deleting any 7 consecutive bases within chr4:177,442,269-177,442,278 gives the same sequence; the c. name uses the placement nearest the transcript's 3' end. VCF-style (leftmost placement, unchanged base first): chr4-177442268-AAAGGGCC-A. GRCh37 (hg19) VCF-style: chr4-178363422-AAAGGGCC-A.
Other names: c.101_107delGGCCCTT (NM_000027.3); c.101_107del, p.Trp34fs (NM_001171988.2); short protein forms W34fs.
Identifiers: ClinVar variation 495346 (VCV000495346.25), dbSNP rs759063638, ClinGen allele CA3147049.

ClinVar aggregate classification (germline): Pathogenic. Review status: criteria provided, multiple submitters, no conflicts (2 of 4 stars). 6 submissions from 6 submitters: Pathogenic (6). Last evaluated 2026-01-14.

Conditions:
Aspartylglucosaminuria (AGU). Also called: GLYCOASPARAGINASE; GLYCOSYLASPARAGINASE DEFICIENCY; Aspartylglucos-aminuria; Aspartylglucos-amidase (AGA) deficiency; AGA DEFICIENCY. Identifiers: Orphanet 93, MedGen C0268225, MONDO:0008830, OMIM 208400, HP:0012068.

Submissions (6):

Labcorp Genetics (formerly Invitae), Labcorp
Classification: Pathogenic for Aspartylglucosaminuria. Last evaluated: 2026-01-14. Review status: criteria provided, single submitter. Criteria: Invitae Variant Classification Sherloc (09022015). Collection method: clinical testing. Allele origin: germline.
Comment: This sequence change creates a premature translational stop signal (p.Trp34Leufs*12) in the AGA gene. It is expected to result in an absent or disrupted protein product. Loss-of-function variants in AGA are known to be pathogenic (PMID: 7627186, 11309371). This variant is present in population databases (rs759063638, gnomAD 0.002%). This premature translational stop signal has been observed in individual(s) with aspartylglycosaminuria (PMID: 8457202, 11309371). ClinVar contains an entry for this variant (Variation ID: 495346). For these reasons, this variant has been classified as Pathogenic.

Natera, Inc.
Classification: Pathogenic for Aspartylglucosaminuria. Last evaluated: 2025-08-04. Review status: criteria provided, single submitter. Criteria: Natera Variant Classification Schema (03/2026). Collection method: clinical testing. Allele origin: germline.
Comment: The c.101_107delGGCCCTT variant in AGA is a frameshift variant predicted to shift the reading frame beginning at codon 34 and leads to a stop codon 12 codons downstream. This variant is expected to result in nonsense mediated decay, truncation, or a dysfunctional protein product. This variant is rare in the general population with a frequency below the threshold expected for the associated phenotype(s). This variant has been observed in one or more individuals affected with the associated recessive disease, as either homozygous or compound heterozygous with a second variant (PMID: 11309371). Given the available evidence, this variant is classified as Pathogenic.

Fulgent Genetics
Classification: Pathogenic for Aspartylglucosaminuria. Last evaluated: 2022-03-15. Review status: criteria provided, single submitter. Criteria: ACMG Guidelines, 2015. Collection method: clinical testing. Allele origin: unknown.

GeneDx
Classification: Pathogenic. Last evaluated: 2021-05-22. Review status: criteria provided, single submitter. Criteria: GeneDx Variant Classification Process June 2021. Collection method: clinical testing. Allele origin: germline. Affected: yes.
Comment: Frameshift variant predicted to result in protein truncation or nonsense mediated decay in a gene for which loss-of-function is a known mechanism of disease; Not observed at a significant frequency in large population cohorts (Lek et al., 2016) This variant is associated with the following publications: (PMID: 11309371, 8457202)

Revvity Omics, Revvity
Classification: Pathogenic for Aspartylglucosaminuria. Last evaluated: 2019-09-11. Review status: criteria provided, single submitter. Criteria: ACMG Guidelines, 2015. Collection method: clinical testing. Allele origin: germline.

Women's Health and Genetics/Laboratory Corporation of America, LabCorp
Classification: Pathogenic for Aspartylglucosaminuria. Last evaluated: 2016-01-22. Review status: criteria provided, single submitter. Criteria: LabCorp Variant Classification Summary - May 2015. Collection method: clinical testing. Allele origin: germline.

Literature cited by the submitters: PubMed 7627186 (cited by Labcorp Genetics (formerly Invitae), Labcorp); PubMed 11309371 (cited by 3 submitters); PubMed 8457202 (cited by Labcorp Genetics (formerly Invitae), Labcorp and Women's Health and Genetics/Laboratory Corporation of America, LabCorp).